The following is an entry in ClinVar:

NM_020911.2(PLXNA4):c.4155C>T (p.Asn1385=)

Gene: PLXNA4 (plexin A4; minus strand). Cytogenetic location: 7q32.3.
Variant type: single nucleotide variant.
Coding change: c.4155C>T on transcript NM_020911.2 (MANE Select); coding-DNA position 4155, C replaced by T.
Protein change: p.Asn1385=; no amino-acid change (asparagine 1385 retained).
Molecular consequence: synonymous variant.
Genome position (GRCh38, 1-based): chr7:132,168,435, G>A on the plus strand (C>T on the coding strand, the complement: PLXNA4 is on the minus strand). VCF-style: chr7-132168435-G-A. GRCh37 (hg19) VCF-style: chr7-131853194-G-A.
Other names: c.4155C>T, p.Asn1385= (NM_001393897.1).
Identifiers: ClinVar variation 3358649 (VCV003358649.1).

ClinVar aggregate classification (germline): Likely benign (0 of 4 stars; one submission).

Conditions:
PLXNA4-related disorder. Also called: PLXNA4-related condition.

gnomAD v4.1: 12 of 1,614,050 alleles (0.00074%); highest among the groups gnomAD compares: East Asian, 0.0045%; no homozygotes.

Submission:

PreventionGenetics, part of Exact Sciences
Classification: Likely benign for PLXNA4-related condition. Last evaluated: 2024-07-09. Review status: no assertion criteria provided. Collection method: clinical testing. Allele origin: germline.
Comment: This variant is classified as likely benign based on ACMG/AMP sequence variant interpretation guidelines (Richards et al. 2015 PMID: 25741868, with internal and published modifications).